The following is an entry in ClinVar:

NM_002160.4(TNC):c.1973C>A (p.Pro658His)

Gene: TNC (tenascin C; minus strand). Cytogenetic location: 9q33.1.
Variant type: single nucleotide variant.
Coding change: c.1973C>A on transcript NM_002160.4 (MANE Select); coding-DNA position 1973, C replaced by A.
Protein change: p.Pro658His; replaces proline 658 with histidine.
Molecular consequence: missense variant.
Genome position (GRCh38, 1-based): chr9:115,084,367, G>T on the plus strand (C>A on the coding strand, the complement: TNC is on the minus strand). VCF-style: chr9-115084367-G-T. GRCh37 (hg19) VCF-style: chr9-117846646-G-T.
Other names: c.1973C>A, p.Pro658His (NM_001410991.1); short protein forms P658H.
Identifiers: ClinVar variation 3234848 (VCV003234848.1), dbSNP rs1209292182, ClinGen allele CA374626159.

ClinVar aggregate classification (germline): Uncertain significance (1 of 4 stars; one submission).

Conditions:
Autosomal dominant nonsyndromic hearing loss 56. Also called: Deafness, autosomal dominant 56. Identifiers: Orphanet 90635, MedGen C3810170, MONDO:0014283, OMIM 615629.

Allele frequency attached by ClinVar (database versions not stated): gnomAD exomes below 0.00001.
gnomAD v4.1: 4 of 1,614,144 alleles (0.00025%); highest among the groups gnomAD compares: South Asian, 0.0044%; no homozygotes.

Submission:

Neuberg Centre For Genomic Medicine, NCGM
Classification: Uncertain significance for Autosomal dominant nonsyndromic hearing loss 56. Review status: criteria provided, single submitter. Criteria: ACMG Guidelines, 2015. Collection method: clinical testing. Allele origin: germline. Inheritance: Autosomal dominant inheritance. Affected: yes.
Comment: The missense c.1973C>Ap.Pro658His variant in TNC gene has not been reported previously as a pathogenic variant nor as a benign variant, to our knowledge. This variant is novel not in any individuals in gnomAD Exomes and 1000 Genomes. The amino acid Pro at position 658 is changed to a His changing protein sequence and it might alter its composition and physico-chemical properties. The amino acid change p.Pro658His in TNC is predicted as conserved by GERP++ and PhyloP across 100 vertebrates. The variant is predicted as damaging by SIFT. For these reasons, this variant has been classified as Uncertain Significance.